The following is an entry in ClinVar:

NC_000001.10:g.(?_984596)_(990361_?)dup

Gene: AGRN (agrin; plus strand). Cytogenetic location: 1p36.33.
Variant type: Duplication.
Identifiers: ClinVar variation 1377139 (VCV001377139.4).

ClinVar aggregate classification (germline): Uncertain significance (1 of 4 stars; one submission).

Conditions:
Congenital myasthenic syndrome 8. Also called: Myasthenic syndrome, congenital, 8, with pre- and postsynaptic defects; MYASTHENIC SYNDROME, CONGENITAL, DUE TO AGRIN DEFICIENCY. Identifiers: Orphanet 590, MedGen C3808739, MONDO:0014052, OMIM 615120.

Submission:

Labcorp Genetics (formerly Invitae), Labcorp
Classification: Uncertain significance for Congenital myasthenic syndrome 8. Last evaluated: 2021-05-08. Review status: criteria provided, single submitter. Criteria: Invitae Variant Classification Sherloc (09022015). Collection method: clinical testing. Allele origin: germline.
Comment: In summary, the available evidence is currently insufficient to determine the role of this variant in disease. Therefore, it has been classified as a Variant of Uncertain Significance. This variant has not been reported in the literature in individuals with AGRN-related conditions. This variant results in a copy number gain of the genomic region encompassing exon(s) 25-36 of the AGRN gene. The 5' boundary is likely confined to intron 24. The 3' end of this event is unknown as it extends beyond the assayed region for this gene and therefore may encompass additional genes. As the precise location of this event is unknown, it may be in tandem or it may be located elsewhere in the genome.